The following is an entry in ClinVar:

NM_000038.6(APC):c.4238T>C (p.Met1413Thr)

Gene: APC (APC regulator of Wnt signaling pathway; plus strand). Cytogenetic location: 5q22.2.
Variant type: single nucleotide variant.
Coding change: c.4238T>C on transcript NM_000038.6 (MANE Select); coding-DNA position 4238, T replaced by C.
Protein change: p.Met1413Thr; replaces methionine 1413 with threonine.
Molecular consequence: missense variant.
Genome position (GRCh38, 1-based): chr5:112,839,832, T>C. VCF-style: chr5-112839832-T-C. GRCh37 (hg19) VCF-style: chr5-112175529-T-C.
Other names: c.4238T>C, p.Met1413Thr (NM_001127510.3, NM_001354895.2); c.4184T>C, p.Met1395Thr (NM_001127511.3); c.4292T>C, p.Met1431Thr (NM_001354896.2); c.4268T>C, p.Met1423Thr (NM_001354897.2); c.4163T>C, p.Met1388Thr (NM_001354898.2); c.4154T>C, p.Met1385Thr (NM_001354899.2); c.4115T>C, p.Met1372Thr (NM_001354900.2); c.4061T>C, p.Met1354Thr (NM_001354901.2); and 5 more; short protein forms M1395T, M1413T, M1322T, M1253T, M1287T, M1372T, M1388T, M1431T.
Identifiers: ClinVar variation 630739 (VCV000630739.12), dbSNP rs1561590837, ClinGen allele CA16030617.
Genomic context (GRCh38, chr5:112,839,832, plus strand): 5'-TTGATAGTTTTGAGAGTCGTTCGATTGCCAGCTCCGTTCAGAGTGAACCATGCAGTGGAA[T>C]GGTAAGTGGCATTATAAGCCCCAGTGATCTTCCAGATAGCCCTGGACAAACCATGCCACC-3'
Protein context (NP_000029.2, residues 1403-1423): SSVQSEPCSG[Met1413Thr]VSGIISPSDL

ClinVar aggregate classification (germline): Uncertain significance. Review status: criteria provided, multiple submitters, no conflicts (2 of 4 stars). 4 submissions from 4 submitters: Uncertain significance (4). Last evaluated 2025-07-29.

Conditions:
Hereditary cancer-predisposing syndrome. Also called: Tumor predisposition; Neoplastic Syndromes, Hereditary; Hereditary neoplastic syndrome; Hereditary Cancer Syndrome. Identifiers: Orphanet 140162, MedGen C0027672, MeSH D009386, MONDO:0015356.
Familial adenomatous polyposis 1 (FAP1). Also called: POLYPOSIS, ADENOMATOUS INTESTINAL; FAMILIAL ADENOMATOUS POLYPOSIS 1, ATTENUATED. Identifiers: MedGen C2713442, MONDO:0021056, OMIM 175100. Disease mechanism: loss of function.

Allele frequency attached by ClinVar (database versions not stated): gnomAD exomes below 0.00001.

Submissions (4):

Labcorp Genetics (formerly Invitae), Labcorp
Classification: Uncertain significance for Familial adenomatous polyposis 1. Last evaluated: 2025-07-29. Review status: criteria provided, single submitter. Criteria: Invitae Variant Classification Sherloc (09022015). Collection method: clinical testing. Allele origin: germline.
Comment: This sequence change replaces methionine, which is neutral and non-polar, with threonine, which is neutral and polar, at codon 1413 of the APC protein (p.Met1413Thr). This variant is not present in population databases (gnomAD no frequency). This variant has not been reported in the literature in individuals affected with APC-related conditions. ClinVar contains an entry for this variant (Variation ID: 630739). Invitae Evidence Modeling of protein sequence and biophysical properties (such as structural, functional, and spatial information, amino acid conservation, physicochemical variation, residue mobility, and thermodynamic stability) indicates that this missense variant is not expected to disrupt APC protein function with a negative predictive value of 95%. In summary, the available evidence is currently insufficient to determine the role of this variant in disease. Therefore, it has been classified as a Variant of Uncertain Significance.

Ambry Genetics
Classification: Uncertain significance for Hereditary cancer-predisposing syndrome. Last evaluated: 2023-03-16. Review status: criteria provided, single submitter. Criteria: Ambry Variant Classification Scheme 2023. Collection method: clinical testing. Allele origin: germline.
Comment: The p.M1413T variant (also known as c.4238T>C), located in coding exon 15 of the APC gene, results from a T to C substitution at nucleotide position 4238. The methionine at codon 1413 is replaced by threonine, an amino acid with similar properties. This amino acid position is conserved. In addition, in silico predictors for this gene do not accurately predict pathogenicity. Since supporting evidence is limited at this time, the clinical significance of this alteration remains unclear.

Sema4
Classification: Uncertain significance for Hereditary cancer-predisposing syndrome. Last evaluated: 2022-01-13. Review status: criteria provided, single submitter. Criteria: Sema4 Curation Guidelines. Collection method: curation. Allele origin: germline.
Comment: The APC c.4238T>C (p.M1413T) variant has not been reported in the literature to our knowledge. It was not observed in the large and broad cohorts of the Genome Aggregation Database (PMID: 32461654). This variant has been reported in ClinVar (Variation ID 630739). Functional studies have not been performed, and in silico predictions of the variant's effect on protein function are inconclusive. The evidence is insufficient to meet ACMG/AMP criteria for classifying the variant as benign or pathogenic. Thus, the clinical significance of this variant is currently uncertain.

Color Diagnostics, LLC DBA Color Health
Classification: Uncertain significance for Hereditary cancer-predisposing syndrome. Last evaluated: 2020-12-02. Review status: criteria provided, single submitter. Criteria: ACMG Guidelines, 2015. Collection method: clinical testing. Allele origin: germline.
Comment: This missense variant replaces methionine with threonine at codon 1413 of the APC protein. Computational prediction suggests that this variant may not impact protein structure and function (internally defined REVEL score threshold <= 0.5, PMID: 27666373). To our knowledge, functional studies have not been reported for this variant. This variant has not been reported in individuals affected with hereditary cancer in the literature. This variant has not been identified in the general population by the Genome Aggregation Database (gnomAD). The available evidence is insufficient to determine the role of this variant in disease conclusively. Therefore, this variant is classified as a Variant of Uncertain Significance.